The following is an entry in ClinVar:

NM_000051.4(ATM):c.3633A>G (p.Ala1211=)

Gene: ATM (ATM serine/threonine kinase; plus strand). Cytogenetic location: 11q22.3.
Variant type: single nucleotide variant.
Coding change: c.3633A>G on transcript NM_000051.4 (MANE Select); coding-DNA position 3633, A replaced by G.
Protein change: p.Ala1211=; no amino-acid change (alanine 1211 retained).
Molecular consequence: synonymous variant.
Genome position (GRCh38, 1-based): chr11:108,282,766, A>G. VCF-style: chr11-108282766-A-G. GRCh37 (hg19) VCF-style: chr11-108153493-A-G.
Other names: c.3633A>G, p.Ala1211= (NM_001351834.2); c.3633A>G (NM_000051.3).
Identifiers: ClinVar variation 1563478 (VCV001563478.10), dbSNP rs2135688329, ClinGen allele CA476673256.

ClinVar aggregate classification (germline): Benign/Likely benign. Review status: criteria provided, multiple submitters, no conflicts (2 of 4 stars). 3 submissions from 3 submitters: Benign (1); Likely benign (2). Last evaluated 2025-06-02.

Conditions:
Familial cancer of breast. Also called: hereditary breast carcinoma; BREAST CANCER, FAMILIAL; Hereditary breast cancer. Identifiers: Orphanet 227535, MedGen C0346153, MONDO:0016419, OMIM 114480. Disease mechanism: loss of function.
Ataxia-telangiectasia syndrome (AT). Also called: Cerebello-oculocutaneous telangiectasia; Immunodeficiency with ataxia telangiectasia; LOUIS-BAR SYNDROME; Ataxia-telangiectasia, complementation group D; AT, COMPLEMENTATION GROUP C; Ataxia-telangiectasia. Identifiers: Orphanet 100, MedGen C0004135, MONDO:0008840, OMIM 208900.
Hereditary cancer-predisposing syndrome. Also called: Neoplastic Syndromes, Hereditary; Hereditary Cancer Syndrome; Hereditary neoplastic syndrome; Tumor predisposition. Identifiers: Orphanet 140162, MedGen C0027672, MeSH D009386, MONDO:0015356.

Submissions (3):

Labcorp Genetics (formerly Invitae), Labcorp
Classification: Likely benign for Ataxia-telangiectasia syndrome. Last evaluated: 2025-06-02. Review status: criteria provided, single submitter. Criteria: Invitae Variant Classification Sherloc (09022015). Collection method: clinical testing. Allele origin: germline.

Myriad Genetics, Inc.
Classification: Benign for Familial cancer of breast. Last evaluated: 2024-05-15. Review status: criteria provided, single submitter. Criteria: Myriad Autosomal Dominant, Autosomal Recessive and X-Linked Classification Criteria (2023). Collection method: clinical testing. Allele origin: unknown.
Comment: This variant is considered benign. This variant is a silent/synonymous amino acid change and it is not expected to impact splicing.

Ambry Genetics
Classification: Likely benign for Hereditary cancer-predisposing syndrome. Last evaluated: 2023-03-24. Review status: criteria provided, single submitter. Criteria: Ambry Variant Classification Scheme 2023. Collection method: clinical testing. Allele origin: germline.